The following is an entry in ClinVar:

ClinVar aggregate classification (germline): Benign/Likely benign. Review status: criteria provided, multiple submitters, no conflicts (2 of 4 stars). 5 submissions from 5 submitters: Benign (1); Likely benign (3). 1 of the submissions does not count toward it. Last evaluated 2025-12-01.

Conditions:
D2HGDH-related disorder. Also called: D2HGDH-related condition.
D-2-hydroxyglutaric aciduria 1 (D2HGA1). Identifiers: Orphanet 79315, MedGen C3152055, MONDO:0024554, OMIM 600721.

Allele frequency attached by ClinVar (database versions not stated): gnomAD exomes 0.00021 and 0.00063; ExAC 0.00072; gnomAD 0.00244 and 0.00267; TOPMed 0.00266; ESP Exome Variant Server 0.00269; 1000 Genomes Project 0.00280; 1000 Genomes Project 30x 0.00312.
gnomAD v4.1: 700 of 1,612,660 alleles (0.043%); highest among the groups gnomAD compares: African/African-American, 0.81%; 3 homozygotes.

Submissions (5):

Labcorp Genetics (formerly Invitae), Labcorp
Classification: Benign for D-2-hydroxyglutaric aciduria 1. Last evaluated: 2025-12-01. Review status: criteria provided, single submitter. Criteria: Invitae Variant Classification Sherloc (09022015). Collection method: clinical testing. Allele origin: germline.

Blueprint Genetics
Classification: Likely benign. Last evaluated: 2024-10-30. Review status: criteria provided, single submitter. Criteria: ACMG Guidelines, 2015. Collection method: clinical testing. Allele origin: germline.

Fulgent Genetics
Classification: Likely benign for D-2-hydroxyglutaric aciduria 1. Last evaluated: 2021-10-20. Review status: criteria provided, single submitter. Criteria: ACMG Guidelines, 2015. Collection method: clinical testing. Allele origin: unknown.

Genetic Services Laboratory, University of Chicago
Classification: Likely benign. Last evaluated: 2015-11-12. Review status: criteria provided, single submitter. Criteria: ACMG Guidelines, 2015. Collection method: clinical testing. Allele origin: germline. Affected: no.

PreventionGenetics, part of Exact Sciences
Classification: Benign for D2HGDH-related condition. Last evaluated: 2024-05-14. Review status: no assertion criteria provided. Collection method: clinical testing. Allele origin: germline. Not counted in ClinVar's aggregate classification.
Comment: This variant is classified as benign based on ACMG/AMP sequence variant interpretation guidelines (Richards et al. 2015 PMID: 25741868, with internal and published modifications).

NM_152783.5(D2HGDH):c.1308A>G (p.Gly436=)

Gene: D2HGDH (D-2-hydroxyglutarate dehydrogenase; plus strand). Cytogenetic location: 2q37.3.
Variant type: single nucleotide variant.
Coding change: c.1308A>G on transcript NM_152783.5 (MANE Select); coding-DNA position 1308, A replaced by G.
Protein change: p.Gly436=; no amino-acid change (glycine 436 retained).
Molecular consequence: synonymous variant. On other transcripts: non-coding transcript variant (1).
Genome position (GRCh38, 1-based): chr2:241,767,711, A>G. VCF-style: chr2-241767711-A-G. GRCh37 (hg19) VCF-style: chr2-242707126-A-G.
Other names: c.906A>G, p.Gly302= (NM_001287249.2); c.747A>G, p.Gly249= (NM_001352824.2).
Identifiers: ClinVar variation 434891 (VCV000434891.18), dbSNP rs113782371, ClinGen allele CA2222199.